The following is an entry in ClinVar:

NM_001367624.2(ZNF469):c.5698C>G (p.Pro1900Ala)

Gene: ZNF469 (zinc finger protein 469; plus strand). Cytogenetic location: 16q24.2.
Variant type: single nucleotide variant.
Coding change: c.5698C>G on transcript NM_001367624.2 (MANE Select); coding-DNA position 5698, C replaced by G.
Protein change: p.Pro1900Ala; replaces proline 1900 with alanine.
Molecular consequence: missense variant.
Genome position (GRCh38, 1-based): chr16:88,433,168, C>G. VCF-style: chr16-88433168-C-G. GRCh37 (hg19) VCF-style: chr16-88499576-C-G.
Other names: NM_001127464.1:c.5614C>G; short protein forms P1900A.
Identifiers: ClinVar variation 1464413 (VCV001464413.8), dbSNP rs754730500, ClinGen allele CA286380809.

ClinVar aggregate classification (germline): Conflicting classifications of pathogenicity. Review status: criteria provided, conflicting classifications (1 of 4 stars). 2 submissions from 2 submitters: Uncertain significance (1); Likely benign (1). Last evaluated 2025-10-23.

Conditions:
Cardiovascular phenotype. Identifiers: MedGen CN230736.

gnomAD v4.1: 88 of 1,549,810 alleles (0.0057%); highest among the groups gnomAD compares: Admixed American, 0.027%; no homozygotes.

Submissions (2):

Labcorp Genetics (formerly Invitae), Labcorp
Classification: Uncertain significance. Last evaluated: 2025-10-23. Review status: criteria provided, single submitter. Criteria: Invitae Variant Classification Sherloc (09022015). Collection method: clinical testing. Allele origin: germline.
Comment: This sequence change replaces proline, which is neutral and non-polar, with alanine, which is neutral and non-polar, at codon 1872 of the ZNF469 protein (p.Pro1872Ala). This variant is present in population databases (no rsID available, gnomAD 0.03%). This variant has not been reported in the literature in individuals affected with ZNF469-related conditions. ClinVar contains an entry for this variant (Variation ID: 1464413). An algorithm developed to predict the effect of missense changes on protein structure and function (PolyPhen-2) suggests that this variant is likely to be tolerated. In summary, the available evidence is currently insufficient to determine the role of this variant in disease. Therefore, it has been classified as a Variant of Uncertain Significance.

Ambry Genetics
Classification: Likely benign for Cardiovascular phenotype. Last evaluated: 2023-12-20. Review status: criteria provided, single submitter. Criteria: Ambry Variant Classification Scheme 2023. Collection method: clinical testing. Allele origin: germline.